The following is an entry in ClinVar:

ClinVar aggregate classification (germline): Uncertain significance. Review status: criteria provided, multiple submitters, no conflicts (2 of 4 stars). 2 submissions from 2 submitters: Uncertain significance (2). Last evaluated 2024-07-20.

Conditions:
Hereditary nonpolyposis colorectal neoplasms. Identifiers: MedGen C0009405, MeSH D003123.
Hereditary cancer-predisposing syndrome. Also called: Hereditary neoplastic syndrome; Tumor predisposition; Hereditary Cancer Syndrome; Neoplastic Syndromes, Hereditary. Identifiers: Orphanet 140162, MedGen C0027672, MeSH D009386, MONDO:0015356.

Submissions (2):

Labcorp Genetics (formerly Invitae), Labcorp
Classification: Uncertain significance for Hereditary nonpolyposis colorectal neoplasms. Last evaluated: 2024-07-20. Review status: criteria provided, single submitter. Criteria: Invitae Variant Classification Sherloc (09022015). Collection method: clinical testing. Allele origin: germline.
Comment: This sequence change replaces proline, which is neutral and non-polar, with leucine, which is neutral and non-polar, at codon 929 of the MSH6 protein (p.Pro929Leu). This variant is not present in population databases (gnomAD no frequency). This variant has not been reported in the literature in individuals affected with MSH6-related conditions. ClinVar contains an entry for this variant (Variation ID: 491917). Advanced modeling of protein sequence and biophysical properties (such as structural, functional, and spatial information, amino acid conservation, physicochemical variation, residue mobility, and thermodynamic stability) has been performed at Invitae for this missense variant, however the output from this modeling did not meet the statistical confidence thresholds required to predict the impact of this variant on MSH6 protein function. In summary, the available evidence is currently insufficient to determine the role of this variant in disease. Therefore, it has been classified as a Variant of Uncertain Significance.

Color Diagnostics, LLC DBA Color Health
Classification: Uncertain significance for Hereditary cancer-predisposing syndrome. Last evaluated: 2018-11-25. Review status: criteria provided, single submitter. Criteria: ACMG Guidelines, 2015. Collection method: clinical testing. Allele origin: germline.

NM_000179.3(MSH6):c.2786C>T (p.Pro929Leu)

Gene: MSH6 (mutS homolog 6; plus strand). Cytogenetic location: 2p16.3.
Variant type: single nucleotide variant.
Coding change: c.2786C>T on transcript NM_000179.3 (MANE Select); coding-DNA position 2786, C replaced by T.
Protein change: p.Pro929Leu; replaces proline 929 with leucine.
Molecular consequence: missense variant.
Genome position (GRCh38, 1-based): chr2:47,800,769, C>T. VCF-style: chr2-47800769-C-T. GRCh37 (hg19) VCF-style: chr2-48027908-C-T.
Other names: c.2396C>T, p.Pro799Leu (NM_001281492.2); c.1880C>T, p.Pro627Leu (NM_001281493.2, NM_001281494.2); short protein forms P929L, P799L, P627L.
Identifiers: ClinVar variation 491917 (VCV000491917.6), dbSNP rs1553414143, ClinGen allele CA346755514.